The following is an entry in ClinVar:

ClinVar aggregate classification (germline): Pathogenic/Likely pathogenic. Review status: criteria provided, multiple submitters, no conflicts (2 of 4 stars). 5 submissions from 5 submitters: Pathogenic (3); Likely pathogenic (2). Last evaluated 2026-04-12.

Conditions:
COACH syndrome 1. Identifiers: Orphanet 1454, MedGen C5435651, MONDO:0800103, OMIM 216360, MONDO:0008996.
RHYNS syndrome. Also called: RETINITIS PIGMENTOSA SYNDROME; RETINITIS PIGMENTOSA, HYPOPITUITARISM, NEPHRONOPHTHISIS, AND MILD SKELETAL DYSPLASIA. Identifiers: Orphanet 140976, MedGen C1865794, MONDO:0011202, OMIM 602152.
Joubert syndrome 6 (JBTS6). Identifiers: Orphanet 475, MedGen C1853153, MONDO:0012539, OMIM 610688.
Meckel syndrome, type 3 (MKS3). Also called: MECKEL-GRUBER SYNDROME, TYPE 3. Identifiers: Orphanet 564, MedGen C1846357, MONDO:0011821, OMIM 607361.
Bardet-Biedl syndrome 14 (BBS14). Identifiers: Orphanet 110, MedGen C2673874, MONDO:0014442, OMIM 615991.
Nephronophthisis 11 (NPHP11). Identifiers: Orphanet 84081, MedGen C3150796, MONDO:0013302, OMIM 613550.
TMEM67-related disorder. Also called: TMEM67-related disorders; TMEM67-related condition. Identifiers: MedGen CN239423.

Submissions (5):

PreventionGenetics, part of Exact Sciences
Classification: Pathogenic for TMEM67-related condition. Last evaluated: 2026-04-12. Review status: criteria provided, single submitter. Criteria: ACMG Guidelines, 2015. Collection method: clinical testing. Allele origin: germline.
Comment: The TMEM67 c.1413-2A>G variant is predicted to disrupt the AG splice acceptor site and interfere with normal splicing. This variant has been reported in the homozygous state in an individual with kidney disease and ciliopathy (Al-Hamed et al. 2016. PubMed ID: 26862157). This variant has not been reported in a large population database (gnomAD), indicating this variant is rare. Variants that disrupt the consensus splice acceptor site in TMEM67 are expected to be pathogenic. This variant is interpreted as pathogenic.

Fulgent Genetics
Classification: Likely pathogenic for COACH syndrome 1; RHYNS syndrome; Meckel syndrome, type 3; Joubert syndrome 6; Nephronophthisis 11; Bardet-Biedl syndrome 14. Last evaluated: 2024-04-15. Review status: criteria provided, single submitter. Criteria: ACMG Guidelines, 2015. Collection method: clinical testing. Allele origin: germline.

Revvity Omics, Revvity
Classification: Pathogenic. Last evaluated: 2023-06-15. Review status: criteria provided, single submitter. Criteria: ACMG Guidelines, 2015. Collection method: clinical testing. Allele origin: germline.

GeneDx
Classification: Pathogenic. Last evaluated: 2016-08-01. Review status: criteria provided, single submitter. Criteria: GeneDx Variant Classification (06012015). Collection method: clinical testing. Allele origin: germline. Affected: yes.
Comment: The c.1413-2 A>G splice site variant in the TMEM67 gene has been previously reported as a homozygous variant ina fetus with cerebellar vermis aplasia, hydrocephalus, enlarged, cystic kidneys, and congenital heart defect (Al-Hamedet al., 2016). This pathogenic variant destroys the canonical splice acceptor site in intron 13, and is expected to causeabnormal gene splicing.

Genomic Medicine Center of Excellence, King Faisal Specialist Hospital and Research Centre
Classification: Likely pathogenic. Review status: criteria provided, single submitter. Criteria: ACMG Guidelines, 2015. Collection method: research. Allele origin: germline. Affected: yes.

NM_153704.6(TMEM67):c.1413-2A>G

Gene: TMEM67 (transmembrane protein 67; plus strand). Cytogenetic location: 8q22.1.
Variant type: single nucleotide variant.
Coding change: c.1413-2A>G on transcript NM_153704.6 (MANE Select); the canonical splice acceptor site of the intron before coding-DNA position 1413, A replaced by G.
Molecular consequence: splice acceptor variant.
Genome position (GRCh38, 1-based): chr8:93,787,842, A>G. VCF-style: chr8-93787842-A-G. GRCh37 (hg19) VCF-style: chr8-94800070-A-G.
Other names: c.1170-2A>G (NM_001142301.1).
Identifiers: ClinVar variation 191259 (VCV000191259.7), dbSNP rs786205608, ClinGen allele CA236371.
Genomic context (GRCh38, chr8:93,787,842, plus strand): 5'-TTAAATGTATGTTTAAAGGCCCGGATATACTGATTACTATAAATGCATTTTCTTTTAAAT[A>G]GTGTCCACCTTGTACCCAACACAATAAATGGAAACATCTACCCTCCCTTAATCACCATTG-3'